The following is an entry in ClinVar:

NM_021072.4(HCN1):c.346A>G (p.Ser116Gly)

Gene: HCN1 (hyperpolarization activated cyclic nucleotide gated potassium channel 1; minus strand). Cytogenetic location: 5p12.
Variant type: single nucleotide variant.
Coding change: c.346A>G on transcript NM_021072.4 (MANE Select); coding-DNA position 346, A replaced by G.
Protein change: p.Ser116Gly; replaces serine 116 with glycine.
Molecular consequence: missense variant.
Genome position (GRCh38, 1-based): chr5:45,695,748, T>C on the plus strand (A>G on the coding strand, the complement: HCN1 is on the minus strand). VCF-style: chr5-45695748-T-C. GRCh37 (hg19) VCF-style: chr5-45695850-T-C.
Other names: short protein forms S116G.
Identifiers: ClinVar variation 1720840 (VCV001720840.6), dbSNP rs2478643650, ClinGen allele CA359706223.
Genomic context (GRCh38, chr5:45,695,748, plus strand): 5'-GGATAATCCAGAAGCCTGCAGTTTTAACCCTTTCCTGCTCCTTTTCCACCGCCTTCTGGC[T>C]CCCAAACATGCGGAGGGAGAATTTGTTGACCCCGGGCTGCAGCATGGAGGTGAACTGCCT-3'
Protein context (NP_066550.2, residues 106-126): VNKFSLRMFG[Ser116Gly]QKAVEKEQER

ClinVar aggregate classification (germline): Uncertain significance. Review status: criteria provided, multiple submitters, no conflicts (2 of 4 stars). 2 submissions from 2 submitters: Uncertain significance (2). Last evaluated 2023-06-22.

Conditions:
Early-infantile DEE. Also called: Early infantile epileptic encephalopathy; Ohtahara syndrome; Early infantile epileptic encephalopathy with suppression bursts. Identifiers: Orphanet 1934, MedGen C0393706, MONDO:0800491.

Allele frequency attached by ClinVar (database versions not stated): gnomAD exomes below 0.00001.
gnomAD v4.1: 1 of 1,612,456 alleles (0.000062%); highest among the groups gnomAD compares: Non-Finnish European, 0.000085%; no homozygotes.

Submissions (2):

Blueprint Genetics
Classification: Uncertain significance. Last evaluated: 2023-06-22. Review status: criteria provided, single submitter. Criteria: ACMG Guidelines, 2015. Collection method: clinical testing. Allele origin: germline.

Labcorp Genetics (formerly Invitae), Labcorp
Classification: Uncertain significance for Early-infantile DEE. Last evaluated: 2022-10-02. Review status: criteria provided, single submitter. Criteria: Invitae Variant Classification Sherloc (09022015). Collection method: clinical testing. Allele origin: germline.
Comment: This sequence change replaces serine, which is neutral and polar, with glycine, which is neutral and non-polar, at codon 116 of the HCN1 protein (p.Ser116Gly). In summary, the available evidence is currently insufficient to determine the role of this variant in disease. Therefore, it has been classified as a Variant of Uncertain Significance. Advanced modeling of protein sequence and biophysical properties (such as structural, functional, and spatial information, amino acid conservation, physicochemical variation, residue mobility, and thermodynamic stability) has been performed at Invitae for this missense variant, however the output from this modeling did not meet the statistical confidence thresholds required to predict the impact of this variant on HCN1 protein function. This variant has not been reported in the literature in individuals affected with HCN1-related conditions. This variant is not present in population databases (gnomAD no frequency).